The following is an entry in ClinVar:

NM_000179.3(MSH6):c.685G>T (p.Glu229Ter)

Gene: MSH6 (mutS homolog 6; plus strand). Cytogenetic location: 2p16.3.
Variant type: single nucleotide variant.
Coding change: c.685G>T on transcript NM_000179.3 (MANE Select); coding-DNA position 685, G replaced by T.
Protein change: p.Glu229Ter; replaces glutamic acid 229 with a stop codon.
Molecular consequence: nonsense. On other transcripts: 5 prime UTR variant (9), non-coding transcript variant (4), intron variant (1).
Genome position (GRCh38, 1-based): chr2:47,798,668, G>T. VCF-style: chr2-47798668-G-T. GRCh37 (hg19) VCF-style: chr2-48025807-G-T.
Other names: c.295G>T, p.Glu99Ter (NM_001281492.2); c.-222G>T (NM_001281493.2, NM_001281494.2, NM_001406811.1 and 6 more transcripts); c.781G>T, p.Glu261Ter (NM_001406795.1, NM_001406802.1); c.685G>T, p.Glu229Ter (NM_001406796.1, NM_001406798.1, NM_001406800.1 and 4 more transcripts); c.388G>T, p.Glu130Ter (NM_001406797.1, NM_001406801.1, NM_001406805.1 and 10 more transcripts); c.160G>T, p.Glu54Ter (NM_001406799.1, NM_001406806.1, NM_001406807.1); c.607G>T, p.Glu203Ter (NM_001406804.1); c.691G>T, p.Glu231Ter (NM_001406813.1); and 2 more; short protein forms E130*, E173*, E203*, E229*, E231*, E261*, E54*, E99*.
Identifiers: ClinVar variation 2673725 (VCV002673725.1), dbSNP rs876660694, ClinGen allele CA346739903.

ClinVar aggregate classification (germline): Pathogenic (1 of 4 stars; one submission).

Conditions:
Lynch syndrome 5 (LYNCH5). Also called: Colorectal cancer, hereditary nonpolyposis, type 5; Hereditary non-polyposis colorectal cancer, type 5. Identifiers: Orphanet 144, MedGen C1833477, MONDO:0013710, OMIM 614350. Disease mechanism: loss of function.

Submission:

Myriad Genetics, Inc.
Classification: Pathogenic for Lynch syndrome 5. Last evaluated: 2023-08-10. Review status: criteria provided, single submitter. Criteria: Myriad Autosomal Dominant, Autosomal Recessive and X-Linked Classification Criteria (2023). Collection method: clinical testing. Allele origin: unknown.
Comment: This variant is considered pathogenic. This variant creates a termination codon and is predicted to result in premature protein truncation.